The following is an entry in ClinVar:

NM_152722.5(HEPACAM):c.266G>C (p.Gly89Ala)

Gene: HEPACAM (hepatic and glial cell adhesion molecule; minus strand). Cytogenetic location: 11q24.2.
Variant type: single nucleotide variant.
Coding change: c.266G>C on transcript NM_152722.5 (MANE Select); coding-DNA position 266, G replaced by C.
Protein change: p.Gly89Ala; replaces glycine 89 with alanine.
Molecular consequence: missense variant.
Genome position (GRCh38, 1-based): chr11:124,924,889, C>G on the plus strand (G>C on the coding strand, the complement: HEPACAM is on the minus strand). VCF-style: chr11-124924889-C-G. GRCh37 (hg19) VCF-style: chr11-124794785-C-G.
Other names: c.266G>C, p.Gly89Ala (NM_001411043.1); short protein forms G89A.
Identifiers: ClinVar variation 1704924 (VCV001704924.2), dbSNP rs387907054, ClinGen allele CA383143452.

ClinVar aggregate classification (germline): Uncertain significance (1 of 4 stars; one submission).

Submission:

GeneDx
Classification: Uncertain significance. Last evaluated: 2022-03-08. Review status: criteria provided, single submitter. Criteria: GeneDx Variant Classification Process June 2021. Collection method: clinical testing. Allele origin: germline. Affected: yes.
Comment: Not observed at significant frequency in large population cohorts (gnomAD); In silico analysis supports that this missense variant does not alter protein structure/function; Has not been previously published as pathogenic or benign to our knowledge